The following is an entry in ClinVar:

ClinVar aggregate classification (germline): Uncertain significance. Review status: criteria provided, multiple submitters, no conflicts (2 of 4 stars). 2 submissions from 2 submitters: Uncertain significance (2). Last evaluated 2026-07-06.

Conditions:
Hereditary cancer-predisposing syndrome. Also called: Neoplastic Syndromes, Hereditary; Tumor predisposition; Hereditary Cancer Syndrome; Hereditary neoplastic syndrome. Identifiers: Orphanet 140162, MedGen C0027672, MeSH D009386, MONDO:0015356.

gnomAD v4.1: 1 of 1,614,170 alleles (0.000062%); highest among the groups gnomAD compares: Non-Finnish European, 0.000085%; no homozygotes.

Submissions (2):

Ambry Genetics
Classification: Uncertain significance for Hereditary cancer-predisposing syndrome. Last evaluated: 2026-07-06. Review status: criteria provided, single submitter. Criteria: Ambry Variant Classification Scheme 2023. Collection method: clinical testing. Allele origin: germline.
Comment: The p.R72L variant (also known as c.215G>T), located in coding exon 3 of the PTCH1 gene, results from a G to T substitution at nucleotide position 215. The arginine at codon 72 is replaced by leucine, an amino acid with dissimilar properties. This amino acid position is conserved. In addition, the in silico prediction for this alteration is inconclusive. Based on the available evidence, the clinical significance of this variant remains unclear.

GeneDx
Classification: Uncertain significance. Last evaluated: 2025-01-31. Review status: criteria provided, single submitter. Criteria: GeneDx Variant Classification Process June 2021. Collection method: clinical testing. Allele origin: germline. Affected: yes.
Comment: Not observed at significant frequency in large population cohorts (gnomAD); In silico analysis supports that this missense variant has a deleterious effect on protein structure/function; Has not been previously published as pathogenic or benign to our knowledge; This variant is associated with the following publications: (PMID: 8906794)

NM_000264.5(PTCH1):c.413G>T (p.Arg138Leu)

Gene: PTCH1 (patched 1; minus strand). Cytogenetic location: 9q22.32.
Variant type: single nucleotide variant.
Coding change: c.413G>T on transcript NM_000264.5 (MANE Select); coding-DNA position 413, G replaced by T.
Protein change: p.Arg138Leu; replaces arginine 138 with leucine.
Molecular consequence: missense variant. On other transcripts: 5 prime UTR variant (4), non-coding transcript variant (1).
Genome position (GRCh38, 1-based): chr9:95,485,856, C>A on the plus strand (G>T on the coding strand, the complement: PTCH1 is on the minus strand). VCF-style: chr9-95485856-C-A. GRCh37 (hg19) VCF-style: chr9-98248138-C-A.
Other names: c.-41G>T (NM_001083606.3, NM_001083607.3, NM_001083604.3 and 1 more transcripts); c.413G>T, p.Arg138Leu (NM_001354918.2); c.215G>T, p.Arg72Leu (NM_001354919.2, NM_001083602.3); c.410G>T, p.Arg137Leu (NM_001083603.3); short protein forms R137L, R138L, R72L.
Identifiers: ClinVar variation 4072649 (VCV004072649.2).